The following is an entry in ClinVar:

NM_203486.3(DLL3):c.884C>T (p.Ser295Phe)

Gene: DLL3 (delta like canonical Notch ligand 3; plus strand). Cytogenetic location: 19q13.2.
Variant type: single nucleotide variant.
Coding change: c.884C>T on transcript NM_203486.3 (MANE Select); coding-DNA position 884, C replaced by T.
Protein change: p.Ser295Phe; replaces serine 295 with phenylalanine.
Molecular consequence: missense variant.
Genome position (GRCh38, 1-based): chr19:39,505,242, C>T. VCF-style: chr19-39505242-C-T. GRCh37 (hg19) VCF-style: chr19-39995882-C-T.
Other names: c.884C>T, p.Ser295Phe (NM_016941.4); short protein forms S295F.
Identifiers: ClinVar variation 1520172 (VCV001520172.7), dbSNP rs1212556529, ClinGen allele CA405798352.

ClinVar aggregate classification (germline): Uncertain significance (1 of 4 stars; one submission).

Allele frequency attached by ClinVar (database versions not stated): gnomAD exomes 0.00001.
gnomAD v4.1: 3 of 1,614,064 alleles (0.00019%); highest among the groups gnomAD compares: Admixed American, 0.0033%; no homozygotes.

Submission:

Labcorp Genetics (formerly Invitae), Labcorp
Classification: Uncertain significance. Last evaluated: 2025-09-15. Review status: criteria provided, single submitter. Criteria: Invitae Variant Classification Sherloc (09022015). Collection method: clinical testing. Allele origin: germline.
Comment: This sequence change replaces serine, which is neutral and polar, with phenylalanine, which is neutral and non-polar, at codon 295 of the DLL3 protein (p.Ser295Phe). This variant is present in population databases (no rsID available, gnomAD 0.003%). This variant has not been reported in the literature in individuals affected with DLL3-related conditions. ClinVar contains an entry for this variant (Variation ID: 1520172). An algorithm developed to predict the effect of missense changes on protein structure and function (PolyPhen-2) suggests that this variant is likely to be disruptive. In summary, the available evidence is currently insufficient to determine the role of this variant in disease. Therefore, it has been classified as a Variant of Uncertain Significance.